The following is an entry in ClinVar:

NM_032620.4(GTPBP3):c.748del (p.Val250fs)

Gene: GTPBP3 (GTP binding protein 3, mitochondrial; plus strand). Cytogenetic location: 19p13.11.
Variant type: Deletion.
Coding change: c.748del on transcript NM_032620.4 (MANE Select); coding-DNA position 748, one base deleted (G; older notation c.748delG).
Protein change: p.Val250fs; shifts the reading frame from valine 250.
Molecular consequence: frameshift variant.
Genome position (GRCh38, 1-based): chr19:17,339,206, G deleted; the last of 4 consecutive G bases (chr19:17,339,203-17,339,206); deleting any one gives the same sequence. VCF-style (leftmost placement, unchanged base first): chr19-17339202-AG-A. GRCh37 (hg19) VCF-style: chr19-17450011-AG-A.
Other names: c.844delG (NM_133644.3); c.844del, p.Val282fs (NM_133644.4); c.748del, p.Val250fs (NM_001128855.3); c.814del, p.Val272fs (NM_001195422.1); short protein forms V250fs, V272fs, V282fs.
Identifiers: ClinVar variation 3356193 (VCV003356193.3), dbSNP rs2145702302.

ClinVar aggregate classification (germline): Pathogenic. Review status: criteria provided, single submitter (1 of 4 stars). 2 submissions from 2 submitters: Pathogenic (1). 1 of the submissions does not count toward it. Last evaluated 2025-01-28.

Conditions:
GTPBP3-related disorder. Also called: GTPBP3-related condition.

Submissions (2):

Labcorp Genetics (formerly Invitae), Labcorp
Classification: Pathogenic. Last evaluated: 2025-01-28. Review status: criteria provided, single submitter. Criteria: Invitae Variant Classification Sherloc (09022015). Collection method: clinical testing. Allele origin: germline.
Comment: This sequence change creates a premature translational stop signal (p.Val282Cysfs*3) in the GTPBP3 gene. It is expected to result in an absent or disrupted protein product. Loss-of-function variants in GTPBP3 are known to be pathogenic (PMID: 25434004). This variant is not present in population databases (gnomAD no frequency). This variant has not been reported in the literature in individuals affected with GTPBP3-related conditions. ClinVar contains an entry for this variant (Variation ID: 3356193). For these reasons, this variant has been classified as Pathogenic.

PreventionGenetics, part of Exact Sciences
Classification: Likely pathogenic for GTPBP3-related condition. Last evaluated: 2024-07-05. Review status: no assertion criteria provided. Collection method: clinical testing. Allele origin: germline. Not counted in ClinVar's aggregate classification.
Comment: The GTPBP3 c.844delG variant is predicted to result in a frameshift and premature protein termination (p.Val282Cysfs*3). This variant was reported in an individual with combined oxidative phosphorylation deficiency 23 (Zhang et al 2023. PubMed ID: 36980825). This variant has not been reported in a large population database, indicating this variant is rare. Frameshift variants in GTPBP3 are expected to be pathogenic. This variant is interpreted as likely pathogenic.

Literature cited by the submitters: PubMed 25434004 (cited by Labcorp Genetics (formerly Invitae), Labcorp).